The following is an entry in ClinVar:

NM_001012339.3(DNAJC21):c.681_682del (p.Asn228fs)

Gene: DNAJC21 (DnaJ heat shock protein family (Hsp40) member C21; plus strand). Cytogenetic location: 5p13.2.
Variant type: Deletion.
Coding change: c.681_682del on transcript NM_001012339.3 (MANE Select); coding-DNA positions 681 to 682, 2 bases deleted (GA; older notation c.681_682delGA).
Protein change: p.Asn228fs; shifts the reading frame from asparagine 228.
Molecular consequence: frameshift variant.
Genome position (GRCh38, 1-based): chr5:34,937,568-34,937,569, GA deleted; deleting any 2 consecutive bases within chr5:34,937,567-34,937,569 gives the same sequence; the c. name uses the placement nearest the transcript's 3' end. VCF-style (leftmost placement, unchanged base first): chr5-34937566-CAG-C. GRCh37 (hg19) VCF-style: chr5-34937671-CAG-C.
Other names: c.681_682del, p.Asn228fs (NM_001348420.2, NM_194283.4); short protein forms N228fs.
Identifiers: ClinVar variation 4880674 (VCV004880674.2).

ClinVar aggregate classification (germline): Likely pathogenic (1 of 4 stars; one submission).

Conditions:
Bone marrow failure syndrome 3 (BMFS3). Identifiers: MedGen C4310744, MONDO:0014887, OMIM 617052.

Submission:

Dasa
Classification: Likely pathogenic for Bone marrow failure syndrome 3. Last evaluated: 2026-01-14. Review status: criteria provided, single submitter. Criteria: DASA Assertion Criteria. Collection method: clinical testing. Allele origin: germline.
Comment: NM_001012339.3(DNAJC21):c.681_682del (p.Asn228Cysfs*57) is a frameshift variant in DNAJC21 predicted to alter the reading frame and introduce a premature termination codon and is predicted to result in an absent or altered protein product. Loss of function is an established disease mechanism for DNAJC21-associated disorders. Also, this variant is rare in population databases. Based on the currently available evidence, this variant is classified as likely pathogenic.